The following is an entry in ClinVar:

NM_001267550.2(TTN):c.54694_54695insGGGAGGAGCCAAGATGGCCGAATAGGAACAGCTCCGGTCTACAGCTCCCAGCGTGAGCGACGCAGAAGACGGNNNNNNNNNNAAAAAAAAAAAAAAAAAAAAGAAAGGCGTGGAATTTA (p.Asn18232delinsArgGluGluProArgTrpProAsnArgAsnSerSerGlyLeuGlnLeuProAlaTer)

Genes: TTN (titin; minus strand), TTN-AS1 (TTN antisense RNA 1; plus strand). Cytogenetic location: 2q31.2.
Variant type: Insertion.
Coding change: c.54694_54695insGGGAGGAGCCAAGATGGCCGAATAGGAACAGCTCCGGTCTACAGCTCCCAGCGTGAGCGACGCAGAAGACGGNNNNNNNNNNAAAAAAAAAAAAAAAAAAAAGAAAGGCGTGGAATTTA on transcript NM_001267550.2 (MANE Select); coding-DNA positions 54694 to 54695, GGGAGGAGCCAAGATGGCCGAATAGGAACAGCTCCGGTCTACAGCTCCCAGCGTGAGCGACGCAGAAGACGGNNNNNNNNNNAAAAAAAAAAAAAAAAAAAAGAAAGGCGTGGAATTTA inserted.
Protein change: p.Asn18232delinsArgGluGluProArgTrpProAsnArgAsnSerSerGlyLeuGlnLeuProAlaTer.
Molecular consequence: nonsense.
Genome position: GRCh38: chr2:178,604,009-178,604,010. GRCh37 (hg19): chr2:179,468,736-179,468,737.
Other names: c.49771_49772insGGGAGGAGCCAAGATGGCCGAATAGGAACAGCTCCGGTCTACAGCTCCCAGCGTGAGCGACGCAGAAGACGGNNNNNNNNNNAAAAAAAAAAAAAAAAAAAAGAAAGGCGTGGAATTTA, p.Asn16591delinsArgGluGluProArgTrpProAsnArgAsnSerSerGlyLeuGlnLeuProAlaTer (NM_001256850.1); c.27499_27500insGGGAGGAGCCAAGATGGCCGAATAGGAACAGCTCCGGTCTACAGCTCCCAGCGTGAGCGACGCAGAAGACGGNNNNNNNNNNAAAAAAAAAAAAAAAAAAAAGAAAGGCGTGGAATTTA, p.Asn9167delinsArgGluGluProArgTrpProAsnArgAsnSerSerGlyLeuGlnLeuProAlaTer (NM_003319.4); c.46990_46991insGGGAGGAGCCAAGATGGCCGAATAGGAACAGCTCCGGTCTACAGCTCCCAGCGTGAGCGACGCAGAAGACGGNNNNNNNNNNAAAAAAAAAAAAAAAAAAAAGAAAGGCGTGGAATTTA, p.Asn15664delinsArgGluGluProArgTrpProAsnArgAsnSerSerGlyLeuGlnLeuProAlaTer (NM_133378.4); c.27874_27875insGGGAGGAGCCAAGATGGCCGAATAGGAACAGCTCCGGTCTACAGCTCCCAGCGTGAGCGACGCAGAAGACGGNNNNNNNNNNAAAAAAAAAAAAAAAAAAAAGAAAGGCGTGGAATTTA, p.Asn9292delinsArgGluGluProArgTrpProAsnArgAsnSerSerGlyLeuGlnLeuProAlaTer (NM_133432.3); c.28075_28076insGGGAGGAGCCAAGATGGCCGAATAGGAACAGCTCCGGTCTACAGCTCCCAGCGTGAGCGACGCAGAAGACGGNNNNNNNNNNAAAAAAAAAAAAAAAAAAAAGAAAGGCGTGGAATTTA, p.Asn9359delinsArgGluGluProArgTrpProAsnArgAsnSerSerGlyLeuGlnLeuProAlaTer (NM_133437.4).
Identifiers: ClinVar variation 3757065 (VCV003757065.2).

ClinVar aggregate classification (germline): Likely pathogenic (1 of 4 stars; one submission).

Conditions:
Dilated cardiomyopathy 1G (CMD1G). Identifiers: Orphanet 154, MedGen C1858763, MONDO:0011400, OMIM 604145.
Autosomal recessive limb-girdle muscular dystrophy type 2J (LGMDR10). Also called: Limb-girdle muscular dystrophy, type 2J; MUSCULAR DYSTROPHY, LIMB-GIRDLE, AUTOSOMAL RECESSIVE 10. Identifiers: Orphanet 140922, MedGen C1837342, MONDO:0012127, OMIM 608807.

Submission:

Labcorp Genetics (formerly Invitae), Labcorp
Classification: Likely pathogenic for Dilated cardiomyopathy 1G; Autosomal recessive limb-girdle muscular dystrophy type 2J. Last evaluated: 2024-06-30. Review status: criteria provided, single submitter. Criteria: Invitae Variant Classification Sherloc (09022015). Collection method: clinical testing. Allele origin: germline.
Comment: This sequence change inserts a large fragment of DNA, likely a transposable element, in exon 282 of the TTN gene (c.54694_54695ins?), causing a frameshift at codon 18232 (p.Asn18232fs). The exact size and sequence of the insertion cannot be determined by the current assay. While this is not anticipated to result in nonsense mediated decay, it is expected to create a truncated TTN protein. This variant is not present in population databases (gnomAD no frequency). This variant has not been reported in the literature in individuals affected with TTN-related conditions. This variant is located in the A band of TTN (PMID: 25589632). Truncating variants in this region are significantly overrepresented in patients affected with dilated cardiomyopathy (PMID: 25589632). Truncating variants in this region have also been reported in individuals affected with autosomal recessive centronuclear myopathy (PMID: 23975875). Retrotransposon insertions including LINE1 (L1), Alu, and SVA (SINE-VNTR-Alu) have been reported to disrupt protein function (PMID: 19763152, 20307669, 22406018). However the effect of this particular variant is unknown. In summary, the currently available evidence indicates that the variant is pathogenic, but additional data are needed to prove that conclusively. Therefore, this variant has been classified as Likely Pathogenic.

Literature cited by the submitters: PubMed 25589632; PubMed 23975875; PubMed 19763152; PubMed 20307669; PubMed 22406018.